The following is an entry in ClinVar:

ClinVar aggregate classification (germline): Benign/Likely benign. Review status: criteria provided, multiple submitters, no conflicts (2 of 4 stars). 8 submissions from 8 submitters: Benign (6); Likely benign (1). 1 of the submissions does not count toward it. Last evaluated 2026-02-04.

Conditions:
Retinal dystrophy. Also called: Inherited retinal dystrophy. Identifiers: Orphanet 71862, MedGen C0854723, MeSH D058499, MONDO:0019118, HP:0000556.
Saldino-Mainzer syndrome (SRTD9). Also called: short-rib thoracic dysplasia 9 with or without polydactyly; Renal dysplasia, retinal pigmentary dystrophy, cerebellar ataxia and skeletal dysplasia; SHORT-RIB THORACIC DYSPLASIA 9 WITHOUT POLYDACTYLY; CONORENAL SYNDROME. Identifiers: Orphanet 140969, MedGen C1849437, MONDO:0009964, OMIM 266920.

Allele frequency attached by ClinVar (database versions not stated): gnomAD exomes 0.06613; ExAC 0.08188; gnomAD 0.08238 and 0.08326; TOPMed 0.08457; 1000 Genomes Project 0.08566; 1000 Genomes Project 30x 0.08745; ESP Exome Variant Server 0.08771.
gnomAD v4.1: 108,769 of 1,611,480 alleles (6.7%); highest among the groups gnomAD compares: African/African-American, 13%; 3,981 homozygotes.

Submissions (8):

Labcorp Genetics (formerly Invitae), Labcorp
Classification: Benign for Saldino-Mainzer syndrome. Last evaluated: 2026-02-04. Review status: criteria provided, single submitter. Criteria: Invitae Variant Classification Sherloc (09022015). Collection method: clinical testing. Allele origin: germline.

Blueprint Genetics
Classification: Likely benign. Last evaluated: 2024-11-27. Review status: criteria provided, single submitter. Criteria: ACMG Guidelines, 2015. Collection method: clinical testing. Allele origin: germline.

Dept Of Ophthalmology, Nagoya University
Classification: Benign for Retinal dystrophy. Last evaluated: 2023-10-01. Review status: criteria provided, single submitter. Criteria: Submitter's publication. Collection method: research. Allele origin: germline. Affected: yes.

Mayo Clinic Laboratories, Mayo Clinic
Classification: Benign. Last evaluated: 2022-03-09. Review status: criteria provided, single submitter. Criteria: ACMG Guidelines, 2015. Collection method: clinical testing. Allele origin: germline. Observed: 15 variant alleles.

GeneDx
Classification: Benign. Last evaluated: 2021-05-04. Review status: criteria provided, single submitter. Criteria: GeneDx Variant Classification Process June 2021. Collection method: clinical testing. Allele origin: germline. Affected: yes.

Illumina Laboratory Services, Illumina
Classification: Benign for Saldino-Mainzer syndrome. Last evaluated: 2018-01-13. Review status: criteria provided, single submitter. Criteria: ICSL Variant Classification Criteria 13 December 2019. Collection method: clinical testing. Allele origin: germline.
Comment: This variant was observed in the ICSL laboratory as part of a predisposition screen in an ostensibly healthy population. It had not been previously curated by ICSL or reported in the Human Gene Mutation Database (HGMD: prior to June 1st, 2018), and was therefore a candidate for classification through an automated scoring system. Utilizing variant allele frequency, disease prevalence and penetrance estimates, and inheritance mode, an automated score was calculated to assess if this variant is too frequent to cause the disease. Based on the score and internal cut-off values, a variant classified as benign is not then subjected to further curation. The score for this variant resulted in a classification of benign for this disease.

Breakthrough Genomics
Classification: Benign. Review status: criteria provided, single submitter. Criteria: ACMG Guidelines, 2015. Collection method: not provided. Allele origin: germline. Inheritance: Autosomal recessive inheritance. Affected: yes.

Genetic Services Laboratory, University of Chicago
Classification: Likely benign for AllHighlyPenetrant. Review status: no assertion criteria provided. Collection method: clinical testing. Allele origin: germline. Inheritance: Autosomal recessive inheritance. Not counted in ClinVar's aggregate classification.
Comment: Likely benign based on allele frequency in 1000 Genomes Project or ESP global frequency and its presence in a patient with a rare or unrelated disease phenotype. NOT Sanger confirmed.

NM_014714.4(IFT140):c.1192G>A (p.Val398Ile)

Genes: IFT140 (intraflagellar transport 140; minus strand), LOC105371046 (uncharacterized LOC105371046; plus strand). Cytogenetic location: 16p13.3.
Variant type: single nucleotide variant.
Coding change: c.1192G>A on transcript NM_014714.4 (MANE Select); coding-DNA position 1192, G replaced by A.
Protein change: p.Val398Ile; replaces valine 398 with isoleucine.
Molecular consequence: missense variant.
Genome position (GRCh38, 1-based): chr16:1,584,384, C>T on the plus strand (G>A on the coding strand, the complement: IFT140 is on the minus strand). VCF-style: chr16-1584384-C-T. GRCh37 (hg19) VCF-style: chr16-1634385-C-T.
Other names: short protein forms V398I.
Identifiers: ClinVar variation 129257 (VCV000129257.24), dbSNP rs34762152, ClinGen allele CA153139.